The following is an entry in ClinVar:

NM_001267550.2(TTN):c.24431A>C (p.Glu8144Ala)

Gene: TTN (titin; minus strand). Cytogenetic location: 2q31.2.
Variant type: single nucleotide variant.
Coding change: c.24431A>C on transcript NM_001267550.2 (MANE Select); coding-DNA position 24431, A replaced by C.
Protein change: p.Glu8144Ala; replaces glutamic acid 8144 with alanine.
Molecular consequence: missense variant. On other transcripts: intron variant (3).
Genome position (GRCh38, 1-based): chr2:178,718,769, T>G on the plus strand (A>C on the coding strand, the complement: TTN is on the minus strand). VCF-style: chr2-178718769-T-G. GRCh37 (hg19) VCF-style: chr2-179583496-T-G.
Other names: p.E7827A:GAA>GCA; c.13282+19313A>C (NM_003319.4); c.13858+19313A>C (NM_133437.4); c.13657+19313A>C (NM_133432.3); c.23480A>C, p.Glu7827Ala (NM_001256850.1); c.20699A>C, p.Glu6900Ala (NM_133378.4); short protein forms E8144A, E6900A, E7827A.
Identifiers: ClinVar variation 46731 (VCV000046731.35), dbSNP rs16866465, ClinGen allele CA282882.

ClinVar aggregate classification (germline): Benign/Likely benign. Review status: criteria provided, multiple submitters, no conflicts (2 of 4 stars). 23 submissions from 16 submitters: Benign (19); Likely benign (2). 2 of the submissions do not count toward it. Last evaluated 2026-02-04.

Conditions:
Cardiovascular phenotype. Identifiers: MedGen CN230736.
Dilated cardiomyopathy 1G (CMD1G). Identifiers: Orphanet 154, MedGen C1858763, MONDO:0011400, OMIM 604145.
Autosomal recessive limb-girdle muscular dystrophy type 2J (LGMDR10). Also called: Limb-girdle muscular dystrophy, type 2J; MUSCULAR DYSTROPHY, LIMB-GIRDLE, AUTOSOMAL RECESSIVE 10. Identifiers: Orphanet 140922, MedGen C1837342, MONDO:0012127, OMIM 608807.
Early-onset myopathy with fatal cardiomyopathy (CMYO5). Also called: CONGENITAL MYOPATHY 5 WITH CARDIOMYOPATHY; Salih Myopathy. Identifiers: Orphanet 289377, MedGen C2673677, MONDO:0012714, OMIM 611705. Disease mechanism: loss of function.
Myopathy, myofibrillar, 9, with early respiratory failure (MFM9). Also called: MYOPATHY, PROXIMAL, WITH EARLY RESPIRATORY MUSCLE INVOLVEMENT; Myopathy, distal, with early respiratory failure, autosomal dominant; Hereditary myopathy with early respiratory failure; EDSTROM MYOPATHY. Identifiers: Orphanet 178464, Orphanet 34521, MedGen C1863599, MONDO:0011362, OMIM 603689.
Tibial muscular dystrophy (TMD). Also called: Tibial muscular dystrophy, tardive; UDD MYOPATHY; Udd Distal Myopathy – Tibial Muscular Dystrophy. Identifiers: Orphanet 609, MedGen C1838244, MONDO:0010870, OMIM 600334.

Allele frequency attached by ClinVar (database versions not stated): ESP Exome Variant Server 0.15065; gnomAD 0.15861 and 0.16270; TOPMed 0.17244; 1000 Genomes Project 30x 0.23595; 1000 Genomes Project 0.23882.

Submissions (23):

Labcorp Genetics (formerly Invitae), Labcorp
Classification: Benign for Dilated cardiomyopathy 1G; Autosomal recessive limb-girdle muscular dystrophy type 2J. Last evaluated: 2026-02-04. Review status: criteria provided, single submitter. Criteria: Invitae Variant Classification Sherloc (09022015). Collection method: clinical testing. Allele origin: germline.

Molecular Diagnostic Laboratory for Inherited Cardiovascular Disease, Montreal Heart Institute
Classification: Benign. Last evaluated: 2025-04-09. Review status: criteria provided, single submitter. Criteria: ACMG Guidelines, 2015. Collection method: clinical testing. Allele origin: germline. Affected: no.

Genome-Nilou Lab
Classification: Benign for Autosomal recessive limb-girdle muscular dystrophy type 2J. Last evaluated: 2021-09-10. Review status: criteria provided, single submitter. Criteria: ACMG Guidelines, 2015. Collection method: clinical testing. Allele origin: germline. Affected: no.

Genome-Nilou Lab
Classification: Benign for Myopathy, myofibrillar, 9, with early respiratory failure. Last evaluated: 2021-09-10. Review status: criteria provided, single submitter. Criteria: ACMG Guidelines, 2015. Collection method: clinical testing. Allele origin: germline. Affected: no.

Genome-Nilou Lab
Classification: Benign for Early-onset myopathy with fatal cardiomyopathy. Last evaluated: 2021-09-10. Review status: criteria provided, single submitter. Criteria: ACMG Guidelines, 2015. Collection method: clinical testing. Allele origin: germline. Affected: no.

Genome-Nilou Lab
Classification: Benign for Tibial muscular dystrophy. Last evaluated: 2021-09-10. Review status: criteria provided, single submitter. Criteria: ACMG Guidelines, 2015. Collection method: clinical testing. Allele origin: germline. Affected: no.

Women's Health and Genetics/Laboratory Corporation of America, LabCorp
Classification: Likely benign. Last evaluated: 2020-08-16. Review status: criteria provided, single submitter. Criteria: LabCorp Variant Classification Summary - May 2015. Collection method: clinical testing. Allele origin: germline.

Athena Diagnostics
Classification: Benign. Last evaluated: 2018-06-21. Review status: criteria provided, single submitter. Criteria: Athena Diagnostics Criteria. Collection method: clinical testing. Allele origin: germline.

Illumina Laboratory Services, Illumina
Classification: Benign for Myopathy, myofibrillar, 9, with early respiratory failure. Last evaluated: 2018-01-12. Review status: criteria provided, single submitter. Criteria: ICSL Variant Classification Criteria 13 December 2019. Collection method: clinical testing. Allele origin: germline.
Comment: This variant was observed in the ICSL laboratory as part of a predisposition screen in an ostensibly healthy population. It had not been previously curated by ICSL or reported in the Human Gene Mutation Database (HGMD: prior to June 1st, 2018), and was therefore a candidate for classification through an automated scoring system. Utilizing variant allele frequency, disease prevalence and penetrance estimates, and inheritance mode, an automated score was calculated to assess if this variant is too frequent to cause the disease. Based on the score and internal cut-off values, a variant classified as benign is not then subjected to further curation. The score for this variant resulted in a classification of benign for this disease.

Illumina Laboratory Services, Illumina
Classification: Benign for Tibial muscular dystrophy. Last evaluated: 2018-01-12. Review status: criteria provided, single submitter. Criteria: ICSL Variant Classification Criteria 13 December 2019. Collection method: clinical testing. Allele origin: germline.
Comment: the same text as in the submission from Illumina Laboratory Services, Illumina above.

Illumina Laboratory Services, Illumina
Classification: Benign for Autosomal recessive limb-girdle muscular dystrophy type 2J. Last evaluated: 2018-01-12. Review status: criteria provided, single submitter. Criteria: ICSL Variant Classification Criteria 13 December 2019. Collection method: clinical testing. Allele origin: germline.
Comment: the same text as in the submission from Illumina Laboratory Services, Illumina above.

Illumina Laboratory Services, Illumina
Classification: Benign for Dilated cardiomyopathy 1G. Last evaluated: 2018-01-12. Review status: criteria provided, single submitter. Criteria: ICSL Variant Classification Criteria 13 December 2019. Collection method: clinical testing. Allele origin: germline.
Comment: the same text as in the submission from Illumina Laboratory Services, Illumina above.

Illumina Laboratory Services, Illumina
Classification: Benign for Early-onset myopathy with fatal cardiomyopathy. Last evaluated: 2018-01-12. Review status: criteria provided, single submitter. Criteria: ICSL Variant Classification Criteria 13 December 2019. Collection method: clinical testing. Allele origin: germline.
Comment: the same text as in the submission from Illumina Laboratory Services, Illumina above.

Mayo Clinic Laboratories, Mayo Clinic
Classification: Benign. Last evaluated: 2017-08-24. Review status: criteria provided, single submitter. Criteria: ACMG Guidelines, 2015. Collection method: clinical testing. Allele origin: germline. Observed: 746 variant alleles.

Genetic Services Laboratory, University of Chicago
Classification: Benign for AllHighlyPenetrant. Last evaluated: 2013-08-15. Review status: criteria provided, single submitter. Criteria: ACMG Guidelines, 2007. Collection method: clinical testing. Allele origin: germline.

Biesecker Lab/Clinical Genomics Section, National Institutes of Health
Classification: Benign. Last evaluated: 2013-06-24. Review status: criteria provided, single submitter. Criteria: Ng et al. (Circ Cardiovasc Genet. 2013). Collection method: research. Allele origin: unknown. Observed: 207 variant alleles. Study: ClinSeq.
Comment: The study set was not selected for affection status in relation to any cancer. Pathogenicity categories were based on literature curation. See Pubmed ID:23861362 for details.

Medical sequencing

Ambry Genetics
Classification: Benign for Cardiovascular phenotype. Last evaluated: 2013-01-16. Review status: criteria provided, single submitter. Criteria: Ambry Autosomal Dominant and X-Linked criteria (10/2015). Collection method: clinical testing. Allele origin: germline. Observed: 1 variant allele.

GeneDx
Classification: Benign. Last evaluated: 2012-10-31. Review status: criteria provided, single submitter. Criteria: GeneDx Variant Classification (06012015). Collection method: clinical testing. Allele origin: germline. Affected: yes.
Comment: This variant is considered likely benign or benign based on one or more of the following criteria: it is a conservative change, it occurs at a poorly conserved position in the protein, it is predicted to be benign by multiple in silico algorithms, and/or has population frequency not consistent with disease.

Laboratory for Molecular Medicine, Mass General Brigham Personalized Medicine
Classification: Benign. Last evaluated: 2012-04-03. Review status: criteria provided, single submitter. Criteria: LMM Criteria. Collection method: clinical testing. Allele origin: germline. Observed: 556 variant alleles.
Comment: Glu6900Ala in exon 81 of TTN: This variant is not expected to have clinical sign ificance because it has been identified in 14% (1033/6756) of European American chromosomes and 15% (470/3284) of African American chromosomes from a broad popu lation by the NHLBI Exome Sequencing Project (dbSNP rs16866465)

Breakthrough Genomics
Classification: Likely benign. Review status: criteria provided, single submitter. Criteria: ACMG Guidelines, 2015. Collection method: not provided. Allele origin: germline. Inheritance: Autosomal recessive inheritance. Affected: yes.

PreventionGenetics, part of Exact Sciences
Classification: Benign. Review status: criteria provided, single submitter. Criteria: ACMG Guidelines, 2015. Collection method: clinical testing. Allele origin: germline.

Clinical Genetics DNA and cytogenetics Diagnostics Lab, Erasmus MC, Erasmus Medical Center
Classification: Benign. Review status: no assertion criteria provided. Collection method: clinical testing. Allele origin: germline. Affected: yes. Study: VKGL Data-share Consensus. Not counted in ClinVar's aggregate classification.

Clinical Genetics, Academic Medical Center
Classification: Benign. Review status: no assertion criteria provided. Collection method: clinical testing. Allele origin: germline. Affected: yes. Study: VKGL Data-share Consensus. Not counted in ClinVar's aggregate classification.